The following is an entry in ClinVar:

ClinVar aggregate classification (germline): Benign/Likely benign. Review status: criteria provided, multiple submitters, no conflicts (2 of 4 stars). 7 submissions from 6 submitters: Benign (1); Likely benign (5). 1 of the submissions does not count toward it. Last evaluated 2025-12-16.

Conditions:
Neuronopathy, distal hereditary motor, type 7B. Also called: Distal Hereditary Motor Neuronopathy Type 7B (dHMN7B); HMN VIIB; LOWER MOTOR NEURON DISEASE, DYNACTIN TYPE; NEURONOPATHY, DISTAL HEREDITARY MOTOR, AUTOSOMAL DOMINANT 14; NEURONOPATHY, DISTAL HEREDITARY MOTOR, HARDING TYPE VIIB; NEUROPATHY, DISTAL HEREDITARY MOTOR, HARDING TYPE VIIB. Identifiers: Orphanet 139589, MedGen C1843315, MONDO:0011879, OMIM 607641.
Perry syndrome. Also called: PARKINSONISM WITH ALVEOLAR HYPOVENTILATION AND MENTAL DEPRESSION. Identifiers: Orphanet 178509, MedGen C1868594, MONDO:0008201, OMIM 168605.
Amyotrophic lateral sclerosis type 1 (ALS1). Also called: AMYOTROPHIC LATERAL SCLEROSIS 1, FAMILIAL. Identifiers: Orphanet 803, MedGen C1862939, MONDO:0007103, OMIM 105400.
Inborn genetic diseases. Identifiers: MedGen C0950123, MeSH D030342.
DCTN1-related disorder. Also called: DCTN1-related condition.

Allele frequency attached by ClinVar (database versions not stated): gnomAD 0.00005 and 0.00007; TOPMed 0.00007; ESP Exome Variant Server 0.00008; gnomAD exomes 0.00009 and 0.00017; ExAC 0.00018; 1000 Genomes Project 0.00020; 1000 Genomes Project 30x 0.00031.
gnomAD v4.1: 148 of 1,610,682 alleles (0.0092%); highest among the groups gnomAD compares: South Asian, 0.087%; no homozygotes.

Submissions (7):

Labcorp Genetics (formerly Invitae), Labcorp
Classification: Benign for Amyotrophic lateral sclerosis type 1; Neuronopathy, distal hereditary motor, type 7B; Perry syndrome. Last evaluated: 2025-12-16. Review status: criteria provided, single submitter. Criteria: Invitae Variant Classification Sherloc (09022015). Collection method: clinical testing. Allele origin: germline.

CeGaT Center for Human Genetics Tuebingen
Classification: Likely benign. Last evaluated: 2025-09-01. Review status: criteria provided, single submitter. Criteria: CeGaT Center For Human Genetics Tuebingen Variant Classification Criteria Version 2. Collection method: clinical testing. Allele origin: germline. Affected: yes. Observed: 2 variant alleles.
Comment: DCTN1: BP4, BP7

Blueprint Genetics
Classification: Likely benign. Last evaluated: 2024-07-29. Review status: criteria provided, single submitter. Criteria: ACMG Guidelines, 2015. Collection method: clinical testing. Allele origin: germline.

Ambry Genetics
Classification: Likely benign for Inborn genetic diseases. Last evaluated: 2019-07-11. Review status: criteria provided, single submitter. Criteria: Ambry Variant Classification Scheme 2023. Collection method: clinical testing. Allele origin: germline.

Illumina Laboratory Services, Illumina
Classification: Likely benign for Perry syndrome. Last evaluated: 2017-04-27. Review status: criteria provided, single submitter. Criteria: ICSL Variant Classification Criteria 13 December 2019. Collection method: clinical testing. Allele origin: germline.
Comment: This variant was observed as part of a predisposition screen in an ostensibly healthy population. A literature search was performed for the gene, cDNA change, and amino acid change (where applicable). No publications were found based on this search. Allele frequency data from public databases allowed determination this variant is unlikely to cause disease. Therefore, this variant is classified as likely benign.

Illumina Laboratory Services, Illumina
Classification: Likely benign for Neuronopathy, distal hereditary motor, type 7B. Last evaluated: 2017-04-27. Review status: criteria provided, single submitter. Criteria: ICSL Variant Classification Criteria 13 December 2019. Collection method: clinical testing. Allele origin: germline.
Comment: the same text as in the submission from Illumina Laboratory Services, Illumina above.

PreventionGenetics, part of Exact Sciences
Classification: Likely benign for DCTN1-related condition. Last evaluated: 2020-03-10. Review status: no assertion criteria provided. Collection method: clinical testing. Allele origin: germline. Not counted in ClinVar's aggregate classification.
Comment: This variant is classified as likely benign based on ACMG/AMP sequence variant interpretation guidelines (Richards et al. 2015 PMID: 25741868, with internal and published modifications).

NM_004082.5(DCTN1):c.60G>A (p.Ala20=)

Gene: DCTN1 (dynactin subunit 1; minus strand). Cytogenetic location: 2p13.1.
Variant type: single nucleotide variant.
Coding change: c.60G>A on transcript NM_004082.5 (MANE Select); coding-DNA position 60, G replaced by A.
Protein change: p.Ala20=; no amino-acid change (alanine 20 retained).
Molecular consequence: synonymous variant. On other transcripts: non-coding transcript variant (1).
Genome position (GRCh38, 1-based): chr2:74,378,219, C>T on the plus strand (G>A on the coding strand, the complement: DCTN1 is on the minus strand). VCF-style: chr2-74378219-C-T. GRCh37 (hg19) VCF-style: chr2-74605346-C-T.
Other names: c.60G>A, p.Ala20= (NM_001135040.3, NM_001190837.2); c.9G>A, p.Ala3= (NM_001190836.2, NM_001378991.1, NM_001378992.1).
Identifiers: ClinVar variation 337097 (VCV000337097.59), dbSNP rs150204862, ClinGen allele CA1722613.